The following is an entry in ClinVar:

NM_018082.6(POLR3B):c.2386G>A (p.Asp796Asn)

Gene: POLR3B (RNA polymerase III subunit B; plus strand). Cytogenetic location: 12q23.3.
Variant type: single nucleotide variant.
Coding change: c.2386G>A on transcript NM_018082.6 (MANE Select); coding-DNA position 2386, G replaced by A.
Protein change: p.Asp796Asn; replaces aspartic acid 796 with asparagine.
Molecular consequence: missense variant.
Genome position (GRCh38, 1-based): chr12:106,457,230, G>A. VCF-style: chr12-106457230-G-A. GRCh37 (hg19) VCF-style: chr12-106851008-G-A.
Other names: p.Asp796Asn; c.2212G>A, p.Asp738Asn (NM_001160708.2); short protein forms D796N, D738N.
Identifiers: ClinVar variation 4541745 (VCV004541745.1).

ClinVar aggregate classification (germline): Uncertain significance (1 of 4 stars; one submission).

gnomAD v4.1: 33 of 1,613,388 alleles (0.002%); highest among the groups gnomAD compares: Non-Finnish European, 0.0028%; no homozygotes.

Submission:

Mayo Clinic Laboratories, Mayo Clinic
Classification: Uncertain significance. Last evaluated: 2025-06-12. Review status: criteria provided, single submitter. Criteria: ACMG Guidelines, 2015. Collection method: clinical testing. Allele origin: germline. Observed: 1 variant allele.
Comment: BP4